The following is an entry in ClinVar:

ClinVar aggregate classification (germline): Likely pathogenic (1 of 4 stars; one submission).

Conditions:
Congenital myasthenic syndrome 9. Also called: Myasthenic syndrome, congenital, 9, associated with acetylcholine receptor deficiency. Identifiers: Orphanet 590, MedGen C4225368, MONDO:0014587, OMIM 616325.
Fetal akinesia deformation sequence 1 (FADS1). Also called: Fetal akinesia sequence; Pena-Shokeir syndrome type I. Identifiers: Orphanet 994, MedGen C1276035, MONDO:0100101, OMIM 208150, HP:0001989.

Submission:

Labcorp Genetics (formerly Invitae), Labcorp
Classification: Likely pathogenic for Congenital myasthenic syndrome 9; Fetal akinesia deformation sequence 1. Last evaluated: 2018-05-05. Review status: criteria provided, single submitter. Criteria: Invitae Variant Classification Sherloc (09022015). Collection method: clinical testing. Allele origin: germline.
Comment: This variant results in a copy number gain of the genomic region encompassing exons 4-8 of the MUSK gene. While the exact position of this variant cannot be determined from this data, sub-genic copy number gains are generally in tandem (PMID: 25640679) and may result in an absent or disrupted protein product. This variant has not been reported in the literature in individuals with MUSK-related disease. Loss-of-function variants in MUSK are known to be pathogenic (PMID: 25695962, 25900532). In summary, the currently available evidence indicates that the variant is pathogenic, but additional data are needed to prove that conclusively. Therefore, this variant has been classified as Likely Pathogenic.

Literature cited by the submitters: PubMed 25640679; PubMed 25695962; PubMed 25900532.

NC_000009.11:g.(?_113457663)_(113524508_?)dup

Genes: MUSK (muscle associated receptor tyrosine kinase; plus strand), LOC124310625 (Sharpr-MPRA regulatory region 6532; plus strand). Cytogenetic location: 9q31.3.
Variant type: Duplication.
Identifiers: ClinVar variation 583532 (VCV000583532.7).